The following is an entry in ClinVar:

NM_000492.4(CFTR):c.1210-13_1210-11del

Genes: CFTR (CF transmembrane conductance regulator; plus strand), CFTR-AS1 (CFTR antisense RNA 1; minus strand). Cytogenetic location: 7q31.2.
Variant type: Deletion.
Coding change: c.1210-13_1210-11del on transcript NM_000492.4 (MANE Select); 13 bases into the intron before coding-DNA position 1210 through 11 bases into the intron before coding-DNA position 1210, 3 bases deleted (GTT; older notation c.1210-13_1210-11delGTT).
Molecular consequence: intron variant.
Genome position (GRCh38, 1-based): chr7:117,548,628-117,548,630, GTT deleted; deleting any 3 consecutive bases within chr7:117,548,627-117,548,630 gives the same sequence; the c. name uses the placement nearest the transcript's 3' end. VCF-style (leftmost placement, unchanged base first): chr7-117548626-GTGT-G. GRCh37 (hg19) VCF-style: chr7-117188680-GTGT-G.
Other names: c.1210-13_1210-11delGTT (NM_000492.3).
Identifiers: ClinVar variation 1167172 (VCV001167172.9), dbSNP rs2115902247, ClinGen allele CA2499218682.

ClinVar aggregate classification (germline): Conflicting classifications of pathogenicity. Review status: criteria provided, conflicting classifications (1 of 4 stars). 3 submissions from 3 submitters: Uncertain significance (1); Benign (1). 1 of the submissions does not count toward it. Last evaluated 2024-06-10.

Conditions:
CFTR-related disorder (CFTR-RD). Also called: CFTR-related condition; CFTR-related disorders. Identifiers: MedGen C5924204, MONDO:7770004.
Cystic fibrosis (CF). Also called: MUCOVISCIDOSIS. Identifiers: Orphanet 586, MedGen C0010674, MONDO:0009061, OMIM 219700. Disease mechanism: loss of function.

Submissions (3):

Ambry Genetics
Classification: Uncertain significance for Cystic fibrosis. Last evaluated: 2024-06-10. Review status: criteria provided, single submitter. Criteria: Ambry Variant Classification Scheme 2023. Collection method: clinical testing. Allele origin: germline.
Comment: The 6T variant, located in intron 9 of the CFTR gene, is an alteration within the poly-thymidine tract. Typically the poly-T tract consists of 5, 7, or 9 thymidine repeats. The efficiency of exon 10 splicing consistently decreases with shorter polythymidine tracts, resulting in a lower than normal level of fulllength CFTR protein; the effect of 5T on exon 10 splicing is also influenced by the adjacent TG tract, which usually consists of 11, 12, or 13 TG repeats (Sosnay PR et al. Pediatr. Clin. North Am., 2016 08;63:585-98). A similar variant, (TG)13-6T variant, has been identified in trans with a pathogenic CFTR mutation in males with congenital bilateral absence of the vas deferens (CBAVD) (Dayanga&ccedil; D et al. Hum. Reprod., 2004 May;19:1094-100; Viel M et al. Eur. J. Hum. Genet., 2005 Feb;13:136-8); however, the clinical contribution of this variant to the development of CFTR-related disorders is uncertain. Based on available evidence to date, the clinical significance of this alteration remains unclear.

Labcorp Genetics (formerly Invitae), Labcorp
Classification: Benign for Cystic fibrosis. Last evaluated: 2021-11-23. Review status: criteria provided, single submitter. Criteria: Invitae Variant Classification Sherloc (09022015). Collection method: clinical testing. Allele origin: germline.

PreventionGenetics, part of Exact Sciences
Classification: Likely benign for CFTR-related condition. Last evaluated: 2021-09-13. Review status: no assertion criteria provided. Collection method: clinical testing. Allele origin: germline. Not counted in ClinVar's aggregate classification.
Comment: This variant is classified as likely benign based on ACMG/AMP sequence variant interpretation guidelines (Richards et al. 2015 PMID: 25741868, with internal and published modifications).